The following is an entry in ClinVar:

NM_004104.5(FASN):c.1645A>G (p.Ile549Val)

Gene: FASN (fatty acid synthase; minus strand). Cytogenetic location: 17q25.3.
Variant type: single nucleotide variant.
Coding change: c.1645A>G on transcript NM_004104.5 (MANE Select); coding-DNA position 1645, A replaced by G.
Protein change: p.Ile549Val; replaces isoleucine 549 with valine.
Molecular consequence: missense variant.
Genome position (GRCh38, 1-based): chr17:82,090,917, T>C on the plus strand (A>G on the coding strand, the complement: FASN is on the minus strand). VCF-style: chr17-82090917-T-C. GRCh37 (hg19) VCF-style: chr17-80048793-T-C.
Other names: short protein forms I549V.
Identifiers: ClinVar variation 1401506 (VCV001401506.6), dbSNP rs759026158, ClinGen allele CA8853081.

ClinVar aggregate classification (germline): Uncertain significance (1 of 4 stars; one submission).

Conditions:
Epileptic encephalopathy. Identifiers: MedGen C0543888, HP:0200134.

Allele frequency attached by ClinVar (database versions not stated): gnomAD exomes 0.00002; ExAC 0.00007.
gnomAD v4.1: 6 of 1,609,012 alleles (0.00037%); highest among the groups gnomAD compares: Non-Finnish European, 0.00051%; no homozygotes.

Submission:

Labcorp Genetics (formerly Invitae), Labcorp
Classification: Uncertain significance for Epileptic encephalopathy. Last evaluated: 2022-10-05. Review status: criteria provided, single submitter. Criteria: Invitae Variant Classification Sherloc (09022015). Collection method: clinical testing. Allele origin: germline.
Comment: In summary, the available evidence is currently insufficient to determine the role of this variant in disease. Therefore, it has been classified as a Variant of Uncertain Significance. Algorithms developed to predict the effect of missense changes on protein structure and function output the following: SIFT: "Tolerated"; PolyPhen-2: "Benign"; Align-GVGD: "Class C0". The valine amino acid residue is found in multiple mammalian species, which suggests that this missense change does not adversely affect protein function. ClinVar contains an entry for this variant (Variation ID: 1401506). This variant has not been reported in the literature in individuals affected with FASN-related conditions. This variant is present in population databases (rs759026158, gnomAD 0.006%). This sequence change replaces isoleucine, which is neutral and non-polar, with valine, which is neutral and non-polar, at codon 549 of the FASN protein (p.Ile549Val).